The following is an entry in ClinVar:

ClinVar aggregate classification (germline): Likely benign. Review status: criteria provided, multiple submitters, no conflicts (2 of 4 stars). 6 submissions from 6 submitters: Likely benign (5). 1 of the submissions does not count toward it. Last evaluated 2025-11-13.

Conditions:
Birt-Hogg-Dube syndrome 1 (BHD1). Also called: FIBROFOLLICULOMAS WITH TRICHODISCOMAS AND ACROCHORDONS. Identifiers: Orphanet 122, MedGen CN375946, MONDO:0800445, OMIM 135150.
Colorectal cancer. Also called: Malignant Colorectal Neoplasm; Colorectal cancer, somatic. Identifiers: MedGen C0346629, MONDO:0005575, OMIM 114500.
Familial spontaneous pneumothorax (PSP). Identifiers: Orphanet 2903, MedGen C1868193, MONDO:0008259, OMIM 173600.
Nonpapillary renal cell carcinoma. Identifiers: Orphanet 422526, MedGen CN074294, MONDO:0007763, OMIM 144700.
Hereditary cancer-predisposing syndrome. Also called: Tumor predisposition; Hereditary neoplastic syndrome; Neoplastic Syndromes, Hereditary; Hereditary Cancer Syndrome. Identifiers: Orphanet 140162, MedGen C0027672, MeSH D009386, MONDO:0015356.
Birt-Hogg-Dube syndrome. Also called: Birt Hogg Dubé syndrome. Identifiers: Orphanet 122, MedGen C0346010, MONDO:0800444.

Allele frequency attached by ClinVar (database versions not stated): gnomAD exomes 0.00002; TOPMed 0.00002; ExAC 0.00003; gnomAD 0.00003.
gnomAD v4.1: 35 of 1,613,688 alleles (0.0022%); highest among the groups gnomAD compares: East Asian, 0.0045%; no homozygotes.

Submissions (6):

Labcorp Genetics (formerly Invitae), Labcorp
Classification: Likely benign for Birt-Hogg-Dube syndrome. Last evaluated: 2025-11-13. Review status: criteria provided, single submitter. Criteria: Invitae Variant Classification Sherloc (09022015). Collection method: clinical testing. Allele origin: germline.

ARUP Laboratories, Molecular Genetics and Genomics, ARUP Laboratories
Classification: Likely benign. Last evaluated: 2025-02-05. Review status: criteria provided, single submitter. Criteria: ARUP Molecular Germline Variant Investigation Process 2024. Collection method: clinical testing. Allele origin: germline.

Myriad Genetics, Inc.
Classification: Likely benign for Birt-Hogg-Dube syndrome 1. Last evaluated: 2024-08-07. Review status: criteria provided, single submitter. Criteria: Myriad Autosomal Dominant, Autosomal Recessive and X-Linked Classification Criteria (2023). Collection method: clinical testing. Allele origin: unknown.
Comment: This variant is considered likely benign. This variant has been observed at a population frequency that is significantly greater than expected given the associated disease prevalence and penetrance.

Fulgent Genetics
Classification: Likely benign for Colorectal cancer; Birt-Hogg-Dube syndrome 1; Nonpapillary renal cell carcinoma; Familial spontaneous pneumothorax. Last evaluated: 2024-05-18. Review status: criteria provided, single submitter. Criteria: ACMG Guidelines, 2015. Collection method: clinical testing. Allele origin: germline.

Ambry Genetics
Classification: Likely benign for Hereditary cancer-predisposing syndrome. Last evaluated: 2014-10-09. Review status: criteria provided, single submitter. Criteria: Ambry Variant Classification Scheme 2023. Collection method: clinical testing. Allele origin: germline.

ITMI
No classification provided. Condition: AllHighlyPenetrant. Last evaluated: 2013-09-19. Review status: no classification provided. Collection method: reference population. Allele origin: germline. Not counted in ClinVar's aggregate classification.
Comment: Please see associated publication for description of ethnicities

Literature cited by the submitters: PubMed 24728327 (cited by ITMI).

NM_144997.7(FLCN):c.1198G>A (p.Val400Ile)

Gene: FLCN (folliculin; minus strand). Cytogenetic location: 17p11.2.
Variant type: single nucleotide variant.
Coding change: c.1198G>A on transcript NM_144997.7 (MANE Select); coding-DNA position 1198, G replaced by A.
Protein change: p.Val400Ile; replaces valine 400 with isoleucine.
Molecular consequence: missense variant.
Genome position (GRCh38, 1-based): chr17:17,216,482, C>T on the plus strand (G>A on the coding strand, the complement: FLCN is on the minus strand). VCF-style: chr17-17216482-C-T. GRCh37 (hg19) VCF-style: chr17-17119796-C-T.
Other names: c.1198G>A (LRG_325t1); c.1252G>A, p.Val418Ile (NM_001353229.2); c.1198G>A, p.Val400Ile (NM_001353230.2, NM_001353231.2); short protein forms V400I, V418I.
Identifiers: ClinVar variation 134431 (VCV000134431.15), dbSNP rs148257120, ClinGen allele CA159792.